The following is an entry in ClinVar:

NM_001127217.3(SMAD9):c.449A>G (p.Tyr150Cys)

Gene: SMAD9 (SMAD family member 9; minus strand). Cytogenetic location: 13q13.3.
Variant type: single nucleotide variant.
Coding change: c.449A>G on transcript NM_001127217.3 (MANE Select); coding-DNA position 449, A replaced by G.
Protein change: p.Tyr150Cys; replaces tyrosine 150 with cysteine.
Molecular consequence: missense variant.
Genome position (GRCh38, 1-based): chr13:36,872,879, T>C on the plus strand (A>G on the coding strand, the complement: SMAD9 is on the minus strand). VCF-style: chr13-36872879-T-C. GRCh37 (hg19) VCF-style: chr13-37447016-T-C.
Other names: c.449A>G, p.Tyr150Cys (NM_001378621.1, NM_005905.6); short protein forms Y150C.
Identifiers: ClinVar variation 1063362 (VCV001063362.8), dbSNP rs138822893, ClinGen allele CA6950549.

ClinVar aggregate classification (germline): Conflicting classifications of pathogenicity. Review status: criteria provided, conflicting classifications (1 of 4 stars). 2 submissions from 2 submitters: Uncertain significance (1); Likely benign (1). Last evaluated 2024-03-27.

Conditions:
Pulmonary hypertension, primary, 2. Identifiers: Orphanet 422, MedGen C3888002, MONDO:0014134, OMIM 615342.

Allele frequency attached by ClinVar (database versions not stated): ESP Exome Variant Server 0.00008; TOPMed 0.00008; gnomAD exomes 0.00010 and 0.00011; ExAC 0.00012; gnomAD 0.00014; 1000 Genomes Project 30x 0.00031; 1000 Genomes Project 0.00040.
gnomAD v4.1: 185 of 1,614,142 alleles (0.011%); highest among the groups gnomAD compares: Middle Eastern, 0.017%; no homozygotes.

Submissions (2):

Fulgent Genetics
Classification: Likely benign for Pulmonary hypertension, primary, 2. Last evaluated: 2024-03-27. Review status: criteria provided, single submitter. Criteria: ACMG Guidelines, 2015. Collection method: clinical testing. Allele origin: germline.

Labcorp Genetics (formerly Invitae), Labcorp
Classification: Uncertain significance for Pulmonary hypertension, primary, 2. Last evaluated: 2021-08-30. Review status: criteria provided, single submitter. Criteria: Invitae Variant Classification Sherloc (09022015). Collection method: clinical testing. Allele origin: germline.
Comment: This sequence change replaces tyrosine with cysteine at codon 150 of the SMAD9 protein (p.Tyr150Cys). The tyrosine residue is weakly conserved and there is a large physicochemical difference between tyrosine and cysteine. This variant is present in population databases (rs138822893, ExAC 0.02%), and has an allele count higher than expected for a pathogenic variant (PMID: 28166811). This variant has not been reported in the literature in individuals affected with SMAD9-related conditions. Algorithms developed to predict the effect of missense changes on protein structure and function are either unavailable or do not agree on the potential impact of this missense change (SIFT: "Tolerated"; PolyPhen-2: "Benign"; Align-GVGD: "Class C25"). Algorithms developed to predict the effect of sequence changes on RNA splicing suggest that this variant may create or strengthen a splice site. In summary, the available evidence is currently insufficient to determine the role of this variant in disease. Therefore, it has been classified as a Variant of Uncertain Significance.

Literature cited by the submitters: PubMed 28166811 (cited by Labcorp Genetics (formerly Invitae), Labcorp).